The following is an entry in ClinVar:

ClinVar aggregate classification (germline): Uncertain significance (1 of 4 stars; one submission).

Allele frequency attached by ClinVar (database versions not stated): gnomAD exomes below 0.00001; ExAC 0.00001.

Submission:

Labcorp Genetics (formerly Invitae), Labcorp
Classification: Uncertain significance. Last evaluated: 2022-02-10. Review status: criteria provided, single submitter. Criteria: Invitae Variant Classification Sherloc (09022015). Collection method: clinical testing. Allele origin: germline.
Comment: This sequence change replaces tyrosine, which is neutral and polar, with phenylalanine, which is neutral and non-polar, at codon 200 of the JAK1 protein (p.Tyr200Phe). This variant is present in population databases (rs777751808, gnomAD 0.006%). This variant has not been reported in the literature in individuals affected with JAK1-related conditions. Algorithms developed to predict the effect of missense changes on protein structure and function are either unavailable or do not agree on the potential impact of this missense change (SIFT: "Not Available"; PolyPhen-2: "Benign"; Align-GVGD: "Not Available"). In summary, the available evidence is currently insufficient to determine the role of this variant in disease. Therefore, it has been classified as a Variant of Uncertain Significance.

NM_002227.4(JAK1):c.599A>T (p.Tyr200Phe)

Gene: JAK1 (Janus kinase 1; minus strand). Cytogenetic location: 1p31.3.
Variant type: single nucleotide variant.
Coding change: c.599A>T on transcript NM_002227.4 (MANE Select); coding-DNA position 599, A replaced by T.
Protein change: p.Tyr200Phe; replaces tyrosine 200 with phenylalanine.
Molecular consequence: missense variant.
Genome position (GRCh38, 1-based): chr1:64,869,359, T>A on the plus strand (A>T on the coding strand, the complement: JAK1 is on the minus strand). VCF-style: chr1-64869359-T-A. GRCh37 (hg19) VCF-style: chr1-65335042-T-A.
Other names: c.599A>T, p.Tyr200Phe (NM_001320923.2, NM_001321852.2, NM_001321853.2 and 4 more transcripts); short protein forms Y200F.
Identifiers: ClinVar variation 1509487 (VCV001509487.8), dbSNP rs777751808, ClinGen allele CA893129.